The following is an entry in ClinVar:

ClinVar aggregate classification (germline): Uncertain significance. Review status: criteria provided, multiple submitters, no conflicts (2 of 4 stars). 3 submissions from 3 submitters: Uncertain significance (3). Last evaluated 2025-12-17.

Conditions:
Hereditary cancer-predisposing syndrome. Also called: Tumor predisposition; Hereditary Cancer Syndrome; Hereditary neoplastic syndrome; Neoplastic Syndromes, Hereditary. Identifiers: Orphanet 140162, MedGen C0027672, MeSH D009386, MONDO:0015356.
Tuberous sclerosis syndrome (TSC). Also called: Tuberous Sclerosis Complex; Tuberous sclerosis. Identifiers: Orphanet 805, MedGen C0041341, MONDO:0001734.
Tuberous sclerosis 2 (TSC2). Identifiers: Orphanet 805, MedGen C1860707, MONDO:0013199, OMIM 613254.

Submissions (3):

Ambry Genetics
Classification: Uncertain significance for Hereditary cancer-predisposing syndrome. Last evaluated: 2025-12-17. Review status: criteria provided, single submitter. Criteria: Ambry Variant Classification Scheme 2023. Collection method: clinical testing. Allele origin: germline.
Comment: The p.L713V variant (also known as c.2137C>G), located in coding exon 19 of the TSC2 gene, results from a C to G substitution at nucleotide position 2137. The leucine at codon 713 is replaced by valine, an amino acid with highly similar properties. This amino acid position is well conserved in available vertebrate species. In addition, this alteration is predicted to be deleterious by in silico analysis. Since supporting evidence is limited at this time, the clinical significance of this alteration remains unclear.

Color Diagnostics, LLC DBA Color Health
Classification: Uncertain significance for Tuberous sclerosis syndrome. Last evaluated: 2025-09-22. Review status: criteria provided, single submitter. Criteria: ACMG Guidelines, 2015. Collection method: clinical testing. Allele origin: germline.
Comment: This missense variant replaces leucine with valine at codon 713 of the TSC2 protein. Computational prediction suggests that this variant may have deleterious impact on protein structure and function. To our knowledge, functional studies have not been reported for this variant. This variant has not been reported in individuals affected with TSC2-related disorders in the literature. This variant has not been identified in the general population by the Genome Aggregation Database (gnomAD). The available evidence is insufficient to determine the role of this variant in disease conclusively. Therefore, this variant is classified as a Variant of Uncertain Significance.

Labcorp Genetics (formerly Invitae), Labcorp
Classification: Uncertain significance for Tuberous sclerosis 2. Last evaluated: 2023-02-07. Review status: criteria provided, single submitter. Criteria: Invitae Variant Classification Sherloc (09022015). Collection method: clinical testing. Allele origin: germline.
Comment: This variant has not been reported in the literature in individuals affected with TSC2-related conditions. In summary, the available evidence is currently insufficient to determine the role of this variant in disease. Therefore, it has been classified as a Variant of Uncertain Significance. Advanced modeling of protein sequence and biophysical properties (such as structural, functional, and spatial information, amino acid conservation, physicochemical variation, residue mobility, and thermodynamic stability) performed at Invitae indicates that this missense variant is not expected to disrupt TSC2 protein function. ClinVar contains an entry for this variant (Variation ID: 1786493). This variant is not present in population databases (gnomAD no frequency). This sequence change replaces leucine, which is neutral and non-polar, with valine, which is neutral and non-polar, at codon 713 of the TSC2 protein (p.Leu713Val).

NM_000548.5(TSC2):c.2137C>G (p.Leu713Val)

Gene: TSC2 (TSC complex subunit 2; plus strand). Cytogenetic location: 16p13.3.
Variant type: single nucleotide variant.
Coding change: c.2137C>G on transcript NM_000548.5 (MANE Select); coding-DNA position 2137, C replaced by G.
Protein change: p.Leu713Val; replaces leucine 713 with valine.
Molecular consequence: missense variant.
Genome position (GRCh38, 1-based): chr16:2,072,280, C>G. VCF-style: chr16-2072280-C-G. GRCh37 (hg19) VCF-style: chr16-2122281-C-G.
Other names: c.1990C>G, p.Leu664Val (NM_001318829.2, NM_001406675.1, NM_001406676.1 and 1 more transcripts); c.1537C>G, p.Leu513Val (NM_001318831.2, NM_001406680.1, NM_001406682.1 and 6 more transcripts); c.2170C>G, p.Leu724Val (NM_001318832.2); c.2137C>G, p.Leu713Val (NM_001363528.2, NM_001370404.1, NM_001370405.1 and 6 more transcripts); c.2227C>G, p.Leu743Val (NM_001406667.1, NM_001406668.1); c.1675C>G, p.Leu559Val (NM_001406681.1); c.793C>G, p.Leu265Val (NM_001406689.1, NM_001406690.1, NM_001406691.1 and 6 more transcripts); c.2026C>G, p.Leu676Val (NM_001318827.2, NM_001406670.1, NM_001406678.1); and 3 more; short protein forms L694V, L709V, L743V, L513V, L713V, L179V, L265V, L559V.
Identifiers: ClinVar variation 1786493 (VCV001786493.7), dbSNP rs1555506453, ClinGen allele CA394274825.